The following is an entry in ClinVar:

NM_006939.4(SOS2):c.2668G>A (p.Ala890Thr)

Gene: SOS2 (SOS Ras/Rho guanine nucleotide exchange factor 2; minus strand). Cytogenetic location: 14q21.3.
Variant type: single nucleotide variant.
Coding change: c.2668G>A on transcript NM_006939.4 (MANE Select); coding-DNA position 2668, G replaced by A.
Protein change: p.Ala890Thr; replaces alanine 890 with threonine.
Molecular consequence: missense variant.
Genome position (GRCh38, 1-based): chr14:50,140,059, C>T on the plus strand (G>A on the coding strand, the complement: SOS2 is on the minus strand). VCF-style: chr14-50140059-C-T. GRCh37 (hg19) VCF-style: chr14-50606777-C-T.
Other names: c.2569G>A, p.Ala857Thr (NM_001411020.1); short protein forms A890T, A857T.
Identifiers: ClinVar variation 2166748 (VCV002166748.6), dbSNP rs773518472, ClinGen allele CA7176968.

ClinVar aggregate classification (germline): Uncertain significance. Review status: criteria provided, multiple submitters, no conflicts (2 of 4 stars). 2 submissions from 2 submitters: Uncertain significance (2). Last evaluated 2023-05-03.

Conditions:
Cardiovascular phenotype. Identifiers: MedGen CN230736.
Noonan syndrome 9 (NS9). Identifiers: Orphanet 648, MedGen C4225282, MONDO:0014691, OMIM 616559.

Allele frequency attached by ClinVar (database versions not stated): gnomAD exomes below 0.00001; ExAC 0.00001; TOPMed 0.00001.
gnomAD v4.1: 1 of 1,387,718 alleles (0.000072%); highest among the groups gnomAD compares: East Asian, 0.0023%; no homozygotes.

Submissions (2):

Ambry Genetics
Classification: Uncertain significance for Cardiovascular phenotype. Last evaluated: 2023-05-03. Review status: criteria provided, single submitter. Criteria: Ambry Variant Classification Scheme 2023. Collection method: clinical testing. Allele origin: germline.

Labcorp Genetics (formerly Invitae), Labcorp
Classification: Uncertain significance for Noonan syndrome 9. Last evaluated: 2022-05-30. Review status: criteria provided, single submitter. Criteria: Invitae Variant Classification Sherloc (09022015). Collection method: clinical testing. Allele origin: germline.
Comment: This sequence change replaces alanine, which is neutral and non-polar, with threonine, which is neutral and polar, at codon 890 of the SOS2 protein (p.Ala890Thr). This variant has not been reported in the literature in individuals affected with SOS2-related conditions. This variant is present in population databases (rs773518472, gnomAD 0.006%). Algorithms developed to predict the effect of missense changes on protein structure and function are either unavailable or do not agree on the potential impact of this missense change (SIFT: "Deleterious"; PolyPhen-2: "Possibly Damaging"; Align-GVGD: "Class C0"). In summary, the available evidence is currently insufficient to determine the role of this variant in disease. Therefore, it has been classified as a Variant of Uncertain Significance.